The following is an entry in ClinVar:

NM_001395333.1(MTCL1):c.5427C>A (p.Ile1809=)

Gene: MTCL1 (microtubule crosslinking factor 1; plus strand). Cytogenetic location: 18p11.22.
Variant type: single nucleotide variant.
Coding change: c.5427C>A on transcript NM_001395333.1 (MANE Select); coding-DNA position 5427, C replaced by A.
Protein change: p.Ile1809=; no amino-acid change (isoleucine 1809 retained).
Molecular consequence: synonymous variant.
Genome position (GRCh38, 1-based): chr18:8,825,857, C>A. VCF-style: chr18-8825857-C-A. GRCh37 (hg19) VCF-style: chr18-8825855-C-A.
Other names: c.5304C>A, p.Ile1768= (NM_001378205.1, NM_001378207.1); c.5427C>A, p.Ile1809= (NM_001378206.1); c.4224C>A, p.Ile1408= (NM_001395220.1); c.4347C>A, p.Ile1449= (NM_015210.4).
Identifiers: ClinVar variation 3250505 (VCV003250505.18), dbSNP rs367931106.

ClinVar aggregate classification (germline): Likely benign (1 of 4 stars; one submission).

gnomAD v4.1: 30 of 1,614,200 alleles (0.0019%); highest among the groups gnomAD compares: Non-Finnish European, 0.0022%; no homozygotes.

Submission:

CeGaT Center for Human Genetics Tuebingen
Classification: Likely benign. Last evaluated: 2024-06-01. Review status: criteria provided, single submitter. Criteria: CeGaT Center For Human Genetics Tuebingen Variant Classification Criteria Version 2. Collection method: clinical testing. Allele origin: germline. Affected: yes. Observed: 1 variant allele.
Comment: MTCL1: BP4